The following is an entry in ClinVar:

NM_002471.4(MYH6):c.4883A>T (p.Glu1628Val)

Genes: MYH6 (myosin heavy chain 6; minus strand), LOC126861896 (BRD4-independent group 4 enhancer GRCh37_chr14:23854904-23856103; plus strand). Cytogenetic location: 14q11.2.
Variant type: single nucleotide variant.
Coding change: c.4883A>T on transcript NM_002471.4 (MANE Select); coding-DNA position 4883, A replaced by T.
Protein change: p.Glu1628Val; replaces glutamic acid 1628 with valine.
Molecular consequence: missense variant.
Genome position (GRCh38, 1-based): chr14:23,386,391, T>A on the plus strand (A>T on the coding strand, the complement: MYH6 is on the minus strand). VCF-style: chr14-23386391-T-A. GRCh37 (hg19) VCF-style: chr14-23855600-T-A.
Other names: short protein forms E1628V.
Identifiers: ClinVar variation 2452904 (VCV002452904.5), dbSNP rs1282121566, ClinGen allele CA388991342.
Genomic context (GRCh38, chr14:23,386,391, plus strand): 5'-AGGCTCTTGACTTGCTTCTGGGCCTCGGCAGCCATGCGGTTGGCGTGGCTGAGCTGGATC[T>A]CCATCTCATTGAGGTCTCCTTCCATCTTCTTCTTCACCCTCAGGACCTCGTTGCGGCTGC-3'
Protein context (NP_002462.2, residues 1618-1638): KKMEGDLNEM[Glu1628Val]IQLSHANRMA

ClinVar aggregate classification (germline): Uncertain significance. Review status: criteria provided, multiple submitters, no conflicts (2 of 4 stars). 2 submissions from 2 submitters: Uncertain significance (2). Last evaluated 2024-12-09.

Conditions:
Cardiovascular phenotype. Identifiers: MedGen CN230736.
Hypertrophic cardiomyopathy 14. Identifiers: MedGen C2750467, MONDO:0013197, OMIM 613251.

Allele frequency attached by ClinVar (database versions not stated): TOPMed below 0.00001; gnomAD 0.00001.

Submissions (2):

Ambry Genetics
Classification: Uncertain significance for Cardiovascular phenotype. Last evaluated: 2024-12-09. Review status: criteria provided, single submitter. Criteria: Ambry Variant Classification Scheme 2023. Collection method: clinical testing. Allele origin: germline.
Comment: The p.E1628V variant (also known as c.4883A>T), located in coding exon 31 of the MYH6 gene, results from an A to T substitution at nucleotide position 4883. The glutamic acid at codon 1628 is replaced by valine, an amino acid with dissimilar properties. This amino acid position is conserved. In addition, this alteration is predicted to be deleterious by in silico analysis. Since supporting evidence is limited at this time, the clinical significance of this alteration remains unclear.

Labcorp Genetics (formerly Invitae), Labcorp
Classification: Uncertain significance for Hypertrophic cardiomyopathy 14. Last evaluated: 2024-09-18. Review status: criteria provided, single submitter. Criteria: Invitae Variant Classification Sherloc (09022015). Collection method: clinical testing. Allele origin: germline.
Comment: This sequence change replaces glutamic acid, which is acidic and polar, with valine, which is neutral and non-polar, at codon 1628 of the MYH6 protein (p.Glu1628Val). This variant is present in population databases (no rsID available, gnomAD 0.0009%). This variant has not been reported in the literature in individuals affected with MYH6-related conditions. ClinVar contains an entry for this variant (Variation ID: 2452904). Invitae Evidence Modeling of protein sequence and biophysical properties (such as structural, functional, and spatial information, amino acid conservation, physicochemical variation, residue mobility, and thermodynamic stability) indicates that this missense variant is expected to disrupt MYH6 protein function with a positive predictive value of 80%. In summary, the available evidence is currently insufficient to determine the role of this variant in disease. Therefore, it has been classified as a Variant of Uncertain Significance.